The following is an entry in ClinVar:

ClinVar aggregate classification (germline): Uncertain significance (1 of 4 stars; one submission).

Submission:

Labcorp Genetics (formerly Invitae), Labcorp
Classification: Uncertain significance. Last evaluated: 2024-06-26. Review status: criteria provided, single submitter. Criteria: Invitae Variant Classification Sherloc (09022015). Collection method: clinical testing. Allele origin: germline.
Comment: This sequence change falls in intron 19 of the SLC12A2 gene. It does not directly change the encoded amino acid sequence of the SLC12A2 protein. It affects a nucleotide within the consensus splice site. This variant is not present in population databases (gnomAD no frequency). This variant has not been reported in the literature in individuals affected with SLC12A2-related conditions. Variants that disrupt the consensus splice site are a relatively common cause of aberrant splicing (PMID: 17576681, 9536098). Algorithms developed to predict the effect of sequence changes on RNA splicing suggest that this variant is not likely to affect RNA splicing. In summary, the available evidence is currently insufficient to determine the role of this variant in disease. Therefore, it has been classified as a Variant of Uncertain Significance.

Literature cited by the submitters: PubMed 17576681; PubMed 9536098.

NM_001046.3(SLC12A2):c.2803+6T>C

Gene: SLC12A2 (solute carrier family 12 member 2; plus strand). Cytogenetic location: 5q23.3.
Variant type: single nucleotide variant.
Coding change: c.2803+6T>C on transcript NM_001046.3 (MANE Select); 6 bases into the intron after coding-DNA position 2803, T replaced by C.
Molecular consequence: intron variant.
Genome position (GRCh38, 1-based): chr5:128,171,752, T>C. VCF-style: chr5-128171752-T-C. GRCh37 (hg19) VCF-style: chr5-127507444-T-C.
Other names: c.2803+6T>C (NM_001256461.2).
Identifiers: ClinVar variation 3658054 (VCV003658054.2).